The following is an entry in ClinVar:

ClinVar aggregate classification (germline): Uncertain significance (1 of 4 stars; one submission).

Submission:

GeneDx
Classification: Uncertain significance. Last evaluated: 2024-01-31. Review status: criteria provided, single submitter. Criteria: GeneDx Variant Classification Process June 2021. Collection method: clinical testing. Allele origin: germline. Affected: yes.
Comment: Not observed at significant frequency in large population cohorts (gnomAD); In silico analysis supports that this missense variant does not alter protein structure/function; Has not been previously published as pathogenic or benign to our knowledge

NM_015559.3(SETBP1):c.2527T>G (p.Cys843Gly)

Gene: SETBP1 (SET binding protein 1; plus strand). Cytogenetic location: 18q12.3.
Variant type: single nucleotide variant.
Coding change: c.2527T>G on transcript NM_015559.3 (MANE Select); coding-DNA position 2527, T replaced by G.
Protein change: p.Cys843Gly; replaces cysteine 843 with glycine.
Molecular consequence: missense variant.
Genome position (GRCh38, 1-based): chr18:44,951,867, T>G. VCF-style: chr18-44951867-T-G. GRCh37 (hg19) VCF-style: chr18-42531832-T-G.
Other names: c.2527T>G, p.Cys843Gly (NM_001379141.1, NM_001379142.1, NM_001410862.1); short protein forms C843G.
Identifiers: ClinVar variation 3368240 (VCV003368240.1).